The following is an entry in ClinVar:

NM_024675.4(PALB2):c.243G>A (p.Lys81=)

Gene: PALB2 (partner and localizer of BRCA2; minus strand). Cytogenetic location: 16p12.2.
Variant type: single nucleotide variant.
Coding change: c.243G>A on transcript NM_024675.4 (MANE Select); coding-DNA position 243, G replaced by A.
Protein change: p.Lys81=; no amino-acid change (lysine 81 retained).
Molecular consequence: synonymous variant.
Genome position (GRCh38, 1-based): chr16:23,636,303, C>T on the plus strand (G>A on the coding strand, the complement: PALB2 is on the minus strand). VCF-style: chr16-23636303-C-T. GRCh37 (hg19) VCF-style: chr16-23647624-C-T.
Identifiers: ClinVar variation 629282 (VCV000629282.16), dbSNP rs1060502775, ClinGen allele CA494165912.
Genomic context (GRCh38, chr16:23,636,303, plus strand): 5'-ATCAAGTGTGATAGATGTCTTTTCTCCAGTTTCTTCATCAAGATGGGTTTTGATGTGTAA[C>T]TTGTCATAAACACATATTTTATTTTTAGGTTCTGAGGAGGAAAAAAATGTATATAACTTA-3'
Protein context (NP_078951.2, residues 71-91): EPKNKICVYD[Lys81=]LHIKTHLDEE

ClinVar aggregate classification (germline): Benign/Likely benign. Review status: criteria provided, multiple submitters, no conflicts (2 of 4 stars). 5 submissions from 5 submitters: Benign (1); Likely benign (3). 1 of the submissions does not count toward it. Last evaluated 2025-01-10.

Conditions:
Hereditary cancer-predisposing syndrome. Also called: Neoplastic Syndromes, Hereditary; Tumor predisposition; Hereditary neoplastic syndrome; Hereditary Cancer Syndrome. Identifiers: Orphanet 140162, MedGen C0027672, MeSH D009386, MONDO:0015356.
Familial cancer of breast. Also called: BREAST CANCER, FAMILIAL; Hereditary breast cancer; hereditary breast carcinoma. Identifiers: Orphanet 227535, MedGen C0346153, MONDO:0016419, OMIM 114480. Disease mechanism: loss of function.

Allele frequency attached by ClinVar (database versions not stated): gnomAD exomes below 0.00001; TOPMed below 0.00001.
gnomAD v4.1: 1 of 1,612,712 alleles (0.000062%); highest among the groups gnomAD compares: Non-Finnish European, 0.000085%; no homozygotes.

Submissions (5):

Myriad Genetics, Inc.
Classification: Benign for Familial cancer of breast. Last evaluated: 2025-01-10. Review status: criteria provided, single submitter. Criteria: Myriad Autosomal Dominant, Autosomal Recessive and X-Linked Classification Criteria (2023). Collection method: clinical testing. Allele origin: unknown.
Comment: This variant is considered benign. This variant is a silent/synonymous amino acid change and it is not expected to impact splicing.

Labcorp Genetics (formerly Invitae), Labcorp
Classification: Likely benign for Familial cancer of breast. Last evaluated: 2024-03-14. Review status: criteria provided, single submitter. Criteria: Invitae Variant Classification Sherloc (09022015). Collection method: clinical testing. Allele origin: germline.

Ambry Genetics
Classification: Likely benign for Hereditary cancer-predisposing syndrome. Last evaluated: 2021-07-08. Review status: criteria provided, single submitter. Criteria: Ambry Variant Classification Scheme 2023. Collection method: clinical testing. Allele origin: germline.

Color Diagnostics, LLC DBA Color Health
Classification: Likely benign for Hereditary cancer-predisposing syndrome. Last evaluated: 2018-09-23. Review status: criteria provided, single submitter. Criteria: ACMG Guidelines, 2015. Collection method: clinical testing. Allele origin: germline.

Leiden Open Variation Database
Classification: Uncertain significance for Familial cancer of breast. Last evaluated: 2019-05-13. Review status: no assertion criteria provided. Collection method: curation. Allele origin: germline. Affected: yes. Not counted in ClinVar's aggregate classification.
Comment: Curators: Marc Tischkowitz, Arleen D. Auerbach. Submitter to LOVD: Marc Tischkowitz.

Literature cited by the submitters: PubMed 24556926 (cited by Leiden Open Variation Database).